The following is an entry in ClinVar:

ClinVar aggregate classification (germline): Uncertain significance. Review status: criteria provided, multiple submitters, no conflicts (2 of 4 stars). 3 submissions from 3 submitters: Uncertain significance (3). Last evaluated 2025-08-10.

Conditions:
Inborn genetic diseases. Identifiers: MedGen C0950123, MeSH D030342.

Allele frequency attached by ClinVar (database versions not stated): gnomAD exomes below 0.00001 and 0.00001; gnomAD 0.00001; ExAC 0.00002; TOPMed 0.00004.
gnomAD v4.1: 14 of 1,594,840 alleles (0.00088%); highest among the groups gnomAD compares: African/African-American, 0.0013%; no homozygotes.

Submissions (3):

Ambry Genetics
Classification: Uncertain significance for Inborn genetic diseases. Last evaluated: 2025-08-10. Review status: criteria provided, single submitter. Criteria: Ambry Variant Classification Scheme 2023. Collection method: clinical testing. Allele origin: germline.

Labcorp Genetics (formerly Invitae), Labcorp
Classification: Uncertain significance. Last evaluated: 2023-10-03. Review status: criteria provided, single submitter. Criteria: Invitae Variant Classification Sherloc (09022015). Collection method: clinical testing. Allele origin: germline.
Comment: This sequence change replaces threonine, which is neutral and polar, with methionine, which is neutral and non-polar, at codon 287 of the CDT1 protein (p.Thr287Met). The frequency data for this variant in the population databases is considered unreliable, as metrics indicate poor data quality at this position in the gnomAD database. This variant has not been reported in the literature in individuals affected with CDT1-related conditions. ClinVar contains an entry for this variant (Variation ID: 1504038). An algorithm developed to predict the effect of missense changes on protein structure and function (PolyPhen-2) suggests that this variant is likely to be tolerated. In summary, the available evidence is currently insufficient to determine the role of this variant in disease. Therefore, it has been classified as a Variant of Uncertain Significance.

Blueprint Genetics
Classification: Uncertain significance. Last evaluated: 2023-06-21. Review status: criteria provided, single submitter. Criteria: ACMG Guidelines, 2015. Collection method: clinical testing. Allele origin: germline.

NM_030928.4(CDT1):c.860C>T (p.Thr287Met)

Gene: CDT1 (chromatin licensing and DNA replication factor 1; plus strand). Cytogenetic location: 16q24.3.
Variant type: single nucleotide variant.
Coding change: c.860C>T on transcript NM_030928.4 (MANE Select); coding-DNA position 860, C replaced by T.
Protein change: p.Thr287Met; replaces threonine 287 with methionine.
Molecular consequence: missense variant.
Genome position (GRCh38, 1-based): chr16:88,806,048, C>T. VCF-style: chr16-88806048-C-T. GRCh37 (hg19) VCF-style: chr16-88872456-C-T.
Other names: c.860C>T (NM_030928.3); short protein forms T287M.
Identifiers: ClinVar variation 1504038 (VCV001504038.8), dbSNP rs765701438, ClinGen allele CA8233876.